The following is an entry in ClinVar:

NM_000257.4(MYH7):c.2160G>C (p.Gln720His)

Gene: MYH7 (myosin heavy chain 7; minus strand). Cytogenetic location: 14q11.2.
Variant type: single nucleotide variant.
Coding change: c.2160G>C on transcript NM_000257.4 (MANE Select); coding-DNA position 2160, G replaced by C.
Protein change: p.Gln720His; replaces glutamine 720 with histidine.
Molecular consequence: missense variant.
Genome position (GRCh38, 1-based): chr14:23,425,966, C>G on the plus strand (G>C on the coding strand, the complement: MYH7 is on the minus strand). VCF-style: chr14-23425966-C-G. GRCh37 (hg19) VCF-style: chr14-23895175-C-G.
Other names: p.Q720H:CAG>CAC; c.2160G>C (LRG_384t1); short protein forms Q720H.
Identifiers: ClinVar variation 181174 (VCV000181174.10), dbSNP rs730880733, ClinGen allele CA011791.
Genomic context (GRCh38, chr14:23,425,966, plus strand): 5'-CCATCAGGGCAGCCTGGCTCCCCCTGTTCTATGAGCTCTGGTGCACCCTCATACCCACCT[C>G]TGCCGGAAGTCCCCGTAGAGGATGCGGTTGGGGAAGCCTTTCCTGCAGATGCGGATGCCC-3'
Protein context (NP_000248.2, residues 710-730): PNRILYGDFR[Gln720His]RYRILNPAAI

ClinVar aggregate classification (germline): Conflicting classifications of pathogenicity. Review status: criteria provided, conflicting classifications (1 of 4 stars). 2 submissions from 2 submitters: Likely pathogenic (1); Uncertain significance (1). Last evaluated 2025-04-02.

Conditions:
Hypertrophic cardiomyopathy. Also called: HYPERTROPHIC MYOCARDIOPATHY. Identifiers: Orphanet 217569, MedGen C0007194, MeSH D002312, MONDO:0005045, HP:0001639.

Submissions (2):

Labcorp Genetics (formerly Invitae), Labcorp
Classification: Uncertain significance for Hypertrophic cardiomyopathy. Last evaluated: 2025-04-02. Review status: criteria provided, single submitter. Criteria: Invitae Variant Classification Sherloc (09022015). Collection method: clinical testing. Allele origin: germline.
Comment: This sequence change replaces glutamine, which is neutral and polar, with histidine, which is basic and polar, at codon 720 of the MYH7 protein (p.Gln720His). This variant is not present in population databases (gnomAD no frequency). This missense change has been observed in individual(s) with left ventricular noncompaction (PMID: 30188508). ClinVar contains an entry for this variant (Variation ID: 181174). An algorithm developed to predict the effect of missense changes on protein structure and function (PolyPhen-2) suggests that this variant is likely to be tolerated. This variant is found within a region of MYH7 between codons 181 and 937 that contains the majority of the myosin head domain. Missense variants in this region have been shown to be significantly overrepresented in individuals with hypertrophic cardiomyopathy (PMID: 27532257). In summary, the available evidence is currently insufficient to determine the role of this variant in disease. Therefore, it has been classified as a Variant of Uncertain Significance.

GeneDx
Classification: Likely pathogenic. Last evaluated: 2012-09-11. Review status: criteria provided, single submitter. Criteria: GeneDx Variant Classification (06012015). Collection method: clinical testing. Allele origin: germline. Affected: yes.
Comment: Gln720His results in a non-conservative amino acid substitution of a neutral, polar Glutamine with a positively-charged Histidine at a position that is conserved across species. Mutations in surrounding residues (Arg719Gln, Arg719Pro, Arg719Trp, Arg721Lys) have been reported in association with cardiomyopathy, supporting the functional importance of this region of the protein. In addition, Gln720His was not observed in approximately 6500 individuals of European and African American ancestry in the NHLBI Exome Sequencing Project, indicating it is not a common benign variant in these populations. The variant is found in DCM panel(s).

Literature cited by the submitters: PubMed 30188508 (cited by Labcorp Genetics (formerly Invitae), Labcorp); PubMed 27532257 (cited by Labcorp Genetics (formerly Invitae), Labcorp).